The following is an entry in ClinVar:

ClinVar aggregate classification (germline): Benign (1 of 4 stars; one submission).

Conditions:
Breast-ovarian cancer, familial, susceptibility to, 4. Identifiers: Orphanet 145, MedGen C3280345, MONDO:0013669, OMIM 614291.

Submission:

Myriad Genetics, Inc.
Classification: Benign for Breast-ovarian cancer, familial, susceptibility to, 4. Last evaluated: 2025-02-24. Review status: criteria provided, single submitter. Criteria: Myriad Autosomal Dominant, Autosomal Recessive and X-Linked Classification Criteria (2023). Collection method: clinical testing. Allele origin: unknown.
Comment: This variant is considered benign. This variant is a silent/synonymous amino acid change and it is not expected to impact splicing.

NM_002878.4(RAD51D):c.633G>A (p.Val211=)

Genes: RAD51D (RAD51 paralog D; minus strand), RAD51L3-RFFL (RAD51L3-RFFL readthrough; minus strand). Cytogenetic location: 17q12.
Variant type: single nucleotide variant.
Coding change: c.633G>A on transcript NM_002878.4 (MANE Select); coding-DNA position 633, G replaced by A.
Protein change: p.Val211=; no amino-acid change (valine 211 retained).
Molecular consequence: synonymous variant. On other transcripts: non-coding transcript variant (3).
Genome position (GRCh38, 1-based): chr17:35,103,488, C>T on the plus strand (G>A on the coding strand, the complement: RAD51D is on the minus strand). VCF-style: chr17-35103488-C-T. GRCh37 (hg19) VCF-style: chr17-33430507-C-T.
Other names: c.693G>A, p.Val231= (NM_001142571.2); c.297G>A, p.Val99= (NM_133629.3).
Identifiers: ClinVar variation 3903747 (VCV003903747.1).
Genomic context (GRCh38, chr17:35,103,488, plus strand): 5'-GCCCCAGGCTCTGCCACATCACTCACCTTCCCTCTGCTGACCTCCCAGAAGTGGGGAAAC[C>T]ACCGCAGTGACCGAGTCCACAACCACCACCTTCACAGTTCCTGAAGAACCAGTCACCTGA-3'
Protein context (NP_002869.3, residues 201-221): KVVVVDSVTA[Val211=]VSPLLGGQQR